The following is an entry in ClinVar:

ClinVar aggregate classification (germline): Uncertain significance (1 of 4 stars; one submission).

Conditions:
Hereditary pheochromocytoma and paraganglioma. Also called: Hereditary Paraganglioma-Pheochromocytoma Syndromes; Hereditary paragangliomas and pheochromocytomas; Hereditary pheochromocytoma-paraganglioma. Identifiers: Orphanet 29072, MedGen C4274332, MONDO:0017366.

Submission:

Labcorp Genetics (formerly Invitae), Labcorp
Classification: Uncertain significance for Hereditary pheochromocytoma and paraganglioma. Last evaluated: 2017-03-07. Review status: criteria provided, single submitter. Criteria: Invitae Variant Classification Sherloc (09022015). Collection method: clinical testing. Allele origin: germline.
Comment: In summary, this variant is a novel missense change with uncertain impact on protein function. It has been classified as a Variant of Uncertain Significance. Algorithms developed to predict the effect of missense changes on protein structure and function do not agree on the potential impact of this missense change (SIFT: "Tolerated"; PolyPhen-2: "Possibly Damaging"; Align-GVGD: "Class C0"). This variant is not present in population databases (ExAC no frequency) and has not been reported in the literature in individuals with a MAX-related disease. This sequence change replaces alanine with proline at codon 93 of the MAX protein (p.Ala93Pro). The alanine residue is highly conserved and there is a small physicochemical difference between alanine and proline.

NM_002382.5(MAX):c.277G>C (p.Ala93Pro)

Gene: MAX (MYC associated transcriptional regulator X; minus strand). Cytogenetic location: 14q23.3.
Variant type: single nucleotide variant.
Coding change: c.277G>C on transcript NM_002382.5 (MANE Select); coding-DNA position 277, G replaced by C.
Protein change: p.Ala93Pro; replaces alanine 93 with proline.
Molecular consequence: missense variant. On other transcripts: initiator codon variant (1), intron variant (2).
Genome position (GRCh38, 1-based): chr14:65,077,931, C>G on the plus strand (G>C on the coding strand, the complement: MAX is on the minus strand). VCF-style: chr14-65077931-C-G. GRCh37 (hg19) VCF-style: chr14-65544649-C-G.
Other names: c.3G>C, p.Met1Ile (NM_001320415.2, NM_001407105.1, NM_001407106.1 and 1 more transcripts); c.277G>C, p.Ala93Pro (NM_001407094.1, NM_001407096.1, NM_001407097.1 and 3 more transcripts); c.250G>C, p.Ala84Pro (NM_001407095.1, NM_001407099.1, NM_001407100.1 and 6 more transcripts); c.169G>C, p.Ala57Pro (NM_001407098.1); c.-91G>C (NM_001407111.1, NM_001407112.1); c.144+15777G>C (NM_001271069.2); c.171+15777G>C (NM_197957.4); short protein forms A93P, A84P, M1I, A57P.
Identifiers: ClinVar variation 463804 (VCV000463804.10), dbSNP rs1555340540, ClinGen allele CA390035437.